The following is an entry in ClinVar:

NM_001377540.1(SLMAP):c.1810C>T (p.Leu604Phe)

Gene: SLMAP (sarcolemma associated protein; plus strand). Cytogenetic location: 3p14.3.
Variant type: single nucleotide variant.
Coding change: c.1810C>T on transcript NM_001377540.1 (MANE Select); coding-DNA position 1810, C replaced by T.
Protein change: p.Leu604Phe; replaces leucine 604 with phenylalanine.
Molecular consequence: missense variant. On other transcripts: non-coding transcript variant (1).
Genome position (GRCh38, 1-based): chr3:57,912,491, C>T. VCF-style: chr3-57912491-C-T. GRCh37 (hg19) VCF-style: chr3-57898218-C-T.
Other names: c.1708C>T (NM_007159.2); c.1759C>T, p.Leu587Phe (NM_001304420.3, NM_001377541.1, NM_001377542.1); c.1645C>T, p.Leu549Phe (NM_001304421.2, NM_001377557.1, NM_001377559.1); c.361C>T, p.Leu121Phe (NM_001304422.3, NM_001311178.2); c.163C>T, p.Leu55Phe (NM_001304423.3); c.238C>T, p.Leu80Phe (NM_001311179.2, NM_001377926.1, NM_001377927.1 and 1 more transcripts); c.1831C>T, p.Leu611Phe (NM_001377538.1); c.1810C>T, p.Leu604Phe (NM_001377539.1); and 9 more; short protein forms L542F, L55F, L604F, L611F, L583F, L563F, L570F, L587F.
Identifiers: ClinVar variation 1477578 (VCV001477578.7), dbSNP rs777679999, ClinGen allele CA2467244.

ClinVar aggregate classification (germline): Uncertain significance. Review status: criteria provided, multiple submitters, no conflicts (2 of 4 stars). 2 submissions from 2 submitters: Uncertain significance (2). Last evaluated 2025-09-10.

Conditions:
Brugada syndrome. Also called: Sudden Unexplained Death Syndrome; Sudden Unexplained Nocturnal Death Syndrome (SUNDS); Sudden unexplained nocturnal death syndrome; Sudden unexpected nocturnal death syndrome. Identifiers: Orphanet 130, MedGen C1142166, MONDO:0015263.

Allele frequency attached by ClinVar (database versions not stated): gnomAD exomes below 0.00001 and 0.00001; ExAC 0.00001.
gnomAD v4.1: 4 of 1,614,090 alleles (0.00025%); highest among the groups gnomAD compares: African/African-American, 0.0027%; no homozygotes.

Submissions (2):

Ambry Genetics
Classification: Uncertain significance. Last evaluated: 2025-09-10. Review status: criteria provided, single submitter. Criteria: Ambry Variant Classification Scheme 2023. Collection method: clinical testing. Allele origin: germline.

Labcorp Genetics (formerly Invitae), Labcorp
Classification: Uncertain significance for Brugada syndrome. Last evaluated: 2024-08-19. Review status: criteria provided, single submitter. Criteria: Invitae Variant Classification Sherloc (09022015). Collection method: clinical testing. Allele origin: germline.
Comment: This sequence change replaces leucine, which is neutral and non-polar, with phenylalanine, which is neutral and non-polar, at codon 570 of the SLMAP protein (p.Leu570Phe). This variant is present in population databases (rs777679999, gnomAD 0.007%). This variant has not been reported in the literature in individuals affected with SLMAP-related conditions. ClinVar contains an entry for this variant (Variation ID: 1477578). An algorithm developed to predict the effect of missense changes on protein structure and function (PolyPhen-2) suggests that this variant is likely to be disruptive. In summary, the available evidence is currently insufficient to determine the role of this variant in disease. Therefore, it has been classified as a Variant of Uncertain Significance.